The following is an entry in ClinVar:

NM_001252024.2(TRPM1):c.1286C>T (p.Pro429Leu)

Gene: TRPM1 (transient receptor potential cation channel subfamily M member 1; minus strand). Cytogenetic location: 15q13.3.
Variant type: single nucleotide variant.
Coding change: c.1286C>T on transcript NM_001252024.2 (MANE Select); coding-DNA position 1286, C replaced by T.
Protein change: p.Pro429Leu; replaces proline 429 with leucine.
Molecular consequence: missense variant.
Genome position (GRCh38, 1-based): chr15:31,050,560, G>A on the plus strand (C>T on the coding strand, the complement: TRPM1 is on the minus strand). VCF-style: chr15-31050560-G-A. GRCh37 (hg19) VCF-style: chr15-31342763-G-A.
Other names: c.1337C>T, p.Pro446Leu (NM_001252020.2); c.1220C>T, p.Pro407Leu (NM_002420.6); c.1220C>T (NM_002420.4); short protein forms P429L, P446L, P407L.
Identifiers: ClinVar variation 1371987 (VCV001371987.7), dbSNP rs747756548, ClinGen allele CA7452605.

ClinVar aggregate classification (germline): Uncertain significance. Review status: criteria provided, multiple submitters, no conflicts (2 of 4 stars). 2 submissions from 2 submitters: Uncertain significance (2). Last evaluated 2025-09-16.

Conditions:
Inborn genetic diseases. Identifiers: MedGen C0950123, MeSH D030342.

Allele frequency attached by ClinVar (database versions not stated): gnomAD 0.00001 and 0.00002; TOPMed 0.00002; gnomAD exomes 0.00001; ExAC 0.00001.
gnomAD v4.1: 9 of 1,613,500 alleles (0.00056%); highest among the groups gnomAD compares: Admixed American, 0.0033%; no homozygotes.

Submissions (2):

Ambry Genetics
Classification: Uncertain significance for Inborn genetic diseases. Last evaluated: 2025-09-16. Review status: criteria provided, single submitter. Criteria: Ambry Variant Classification Scheme 2023. Collection method: clinical testing. Allele origin: germline.

Labcorp Genetics (formerly Invitae), Labcorp
Classification: Uncertain significance. Last evaluated: 2023-10-13. Review status: criteria provided, single submitter. Criteria: Invitae Variant Classification Sherloc (09022015). Collection method: clinical testing. Allele origin: germline.
Comment: This sequence change replaces proline, which is neutral and non-polar, with leucine, which is neutral and non-polar, at codon 407 of the TRPM1 protein (p.Pro407Leu). This variant is present in population databases (rs747756548, gnomAD 0.005%). This variant has not been reported in the literature in individuals affected with TRPM1-related conditions. ClinVar contains an entry for this variant (Variation ID: 1371987). Advanced modeling of protein sequence and biophysical properties (such as structural, functional, and spatial information, amino acid conservation, physicochemical variation, residue mobility, and thermodynamic stability) has been performed at Invitae for this missense variant, however the output from this modeling did not meet the statistical confidence thresholds required to predict the impact of this variant on TRPM1 protein function. In summary, the available evidence is currently insufficient to determine the role of this variant in disease. Therefore, it has been classified as a Variant of Uncertain Significance.